The following is an entry in ClinVar:

ClinVar aggregate classification (germline): Likely benign (0 of 4 stars; one submission).

Conditions:
ATOH1-related disorder. Also called: ATOH1-related condition.

Allele frequency attached by ClinVar (database versions not stated): ExAC 0.00005; gnomAD 0.00006; TOPMed 0.00006.

Submission:

PreventionGenetics, part of Exact Sciences
Classification: Likely benign for ATOH1-related condition. Last evaluated: 2019-06-26. Review status: no assertion criteria provided. Collection method: clinical testing. Allele origin: germline.
Comment: This variant is classified as likely benign based on ACMG/AMP sequence variant interpretation guidelines (Richards et al. 2015 PMID: 25741868, with internal and published modifications).

NM_005172.2(ATOH1):c.135G>A (p.Glu45=)

Gene: ATOH1 (atonal bHLH transcription factor 1; plus strand). Cytogenetic location: 4q22.2.
Variant type: single nucleotide variant.
Coding change: c.135G>A on transcript NM_005172.2 (MANE Select); coding-DNA position 135, G replaced by A.
Protein change: p.Glu45=; no amino-acid change (glutamic acid 45 retained).
Molecular consequence: synonymous variant.
Genome position (GRCh38, 1-based): chr4:93,829,061, G>A. VCF-style: chr4-93829061-G-A. GRCh37 (hg19) VCF-style: chr4-94750212-G-A.
Identifiers: ClinVar variation 3042844 (VCV003042844.2), dbSNP rs777576567, ClinGen allele CA3012688.